The following is an entry in ClinVar:

ClinVar aggregate classification (germline): Likely benign (1 of 4 stars; one submission).

Conditions:
Intellectual disability, X-linked 61 (TOKAS). Also called: TONNE-KALSCHEUER SYNDROME. Identifiers: MedGen C4283894, MONDO:0010506, OMIM 300978.

Submission:

Centre for Medical Genetics,  Mumbai
Classification: Likely benign for Intellectual disability, X-linked 61. Last evaluated: 2026-04-30. Review status: criteria provided, single submitter. Criteria: ACMG Guidelines, 2015. Collection method: provider interpretation. Allele origin: germline. Inheritance: X-linked inheritance. Affected: no. Observed: 1 variant allele, 1 homozygote.
Comment: The variant satisfies PM2 criteria - extremely low frequency in gnomAD population databases. The variant satisfies BP4 criteria - for a missense or a splice region variant, computational prediction tools unanimously support a benign effect on the gene. However, the variant satisfies BS2 criteria - present in homozygous state in an individual that clinically does not have Tonne-Kalscheuer syndrome.

Literature cited by the submitters: PubMed 300978.

NM_016120.4(RLIM):c.1498_1499delinsTT (p.Ser500Phe)

Gene: RLIM (ring finger protein, LIM domain interacting; minus strand). Cytogenetic location: Xq13.2.
Variant type: Indel.
Coding change: c.1498_1499delinsTT on transcript NM_016120.4 (MANE Select); coding-DNA positions 1498 to 1499, AG replaced by TT.
Protein change: p.Ser500Phe; replaces serine 500 with phenylalanine.
Molecular consequence: missense variant.
Genome position (GRCh38, 1-based): chrX:74,591,816-74,591,817, CT replaced by AA on the plus strand (AG replaced by TT on the coding strand, the reverse complement: RLIM is on the minus strand). VCF-style: chrX-74591816-CT-AA. GRCh37 (hg19) VCF-style: chrX-73811651-CT-AA.
Other names: c.1498_1499delinsTT, p.Ser500Phe (NM_183353.3); short protein forms S500F.
Identifiers: ClinVar variation 4852276 (VCV004852276.1).